The following is an entry in ClinVar:

NM_004086.3(COCH):c.349T>C (p.Trp117Arg)

Genes: COCH (cochlin; plus strand), COCH-AS1 (COCH antisense RNA 1; minus strand). Cytogenetic location: 14q12.
Variant type: single nucleotide variant.
Coding change: c.349T>C on transcript NM_004086.3 (MANE Select); coding-DNA position 349, T replaced by C.
Protein change: p.Trp117Arg; replaces tryptophan 117 with arginine.
Molecular consequence: missense variant.
Genome position (GRCh38, 1-based): chr14:30,878,920, T>C. VCF-style: chr14-30878920-T-C. GRCh37 (hg19) VCF-style: chr14-31348126-T-C.
Other names: c.349T>C, p.Trp117Arg (NM_001135058.2); c.544T>C, p.Trp182Arg (NM_001347720.2); short protein forms W117R, W182R.
Identifiers: ClinVar variation 6610 (VCV000006610.5), dbSNP rs121908929, ClinGen allele CA253887.

ClinVar aggregate classification (germline): Pathogenic/Likely pathogenic. Review status: criteria provided, multiple submitters, no conflicts (2 of 4 stars). 5 submissions from 5 submitters: Pathogenic (2); Likely pathogenic (2). 1 of the submissions does not count toward it. Last evaluated 2026-03-09.

Conditions:
Genetic hearing loss. Also called: Hereditary hearing loss; Hereditary hearing disorder. Identifiers: MedGen C0236038.
Autosomal dominant nonsyndromic hearing loss 9. Identifiers: Orphanet 90635, MedGen C1832425, MONDO:0011058, OMIM 601369.

Submissions (5):

Institute of Medical Genetics and Applied Genomics, University Hospital Tübingen
Classification: Likely pathogenic for Autosomal dominant nonsyndromic hearing loss 9. Last evaluated: 2026-03-09. Review status: criteria provided, single submitter. Criteria: ACMG Guidelines, 2015. Collection method: clinical testing. Allele origin: germline. Inheritance: Autosomal dominant inheritance. Affected: yes.

Variantyx, Inc.
Classification: Pathogenic for Autosomal dominant nonsyndromic hearing loss 9. Last evaluated: 2025-11-26. Review status: criteria provided, single submitter. Criteria: Variantyx Assertion Criteria 2022. Collection method: clinical testing. Allele origin: germline. Inheritance: Autosomal dominant inheritance. Affected: yes.
Comment: This is a nonsynonymous variant in the COCH gene (OMIM: 603196). Pathogenic variants in this gene have been associated with autosomal dominant deafness 9. This variant has been observed to segregate with disease in at least 12 individuals from two families (PMID: 20447147, 9806553) (PP1). Functional studies have shown that this variant alters COCH protein function (PMID: 26256111) (PS3_Moderate), and multiple computational algorithms predict a deleterious effect for this variant (REVEL score: 0.85) (PP3). This variant is absent from control populations (PM2). Based on the current evidence, this variant is classified as pathogenic for autosomal dominant deafness 9.

Labcorp Genetics (formerly Invitae), Labcorp
Classification: Likely pathogenic. Last evaluated: 2024-10-22. Review status: criteria provided, single submitter. Criteria: Invitae Variant Classification Sherloc (09022015). Collection method: clinical testing. Allele origin: germline.
Comment: This sequence change replaces tryptophan, which is neutral and slightly polar, with arginine, which is basic and polar, at codon 117 of the COCH protein (p.Trp117Arg). This variant is not present in population databases (gnomAD no frequency). This missense change has been observed in individuals with autosomal dominant deafness (PMID: 9806553, 20447147; internal data). It has also been observed to segregate with disease in related individuals. ClinVar contains an entry for this variant (Variation ID: 6610). Invitae Evidence Modeling of protein sequence and biophysical properties (such as structural, functional, and spatial information, amino acid conservation, physicochemical variation, residue mobility, and thermodynamic stability) indicates that this missense variant is not expected to disrupt COCH protein function with a negative predictive value of 95%. Experimental studies have shown that this missense change affects COCH function (PMID: 20228067, 26256111). In summary, the currently available evidence indicates that the variant is pathogenic, but additional data are needed to prove that conclusively. Therefore, this variant has been classified as Likely Pathogenic.

Women's Health and Genetics/Laboratory Corporation of America, LabCorp
Classification: Pathogenic for Genetic hearing loss. Last evaluated: 2024-07-09. Review status: criteria provided, single submitter. Criteria: LabCorp Variant Classification Summary - May 2015. Collection method: clinical testing. Allele origin: germline.
Comment: Variant summary: COCH c.349T>C (p.Trp117Arg) results in a non-conservative amino acid change located in the LCCL domain (IPR004043) of the encoded protein sequence. Five of five in-silico tools predict a damaging effect of the variant on protein function. The variant was absent in 251486 control chromosomes. c.349T>C has been reported in the literature in multiple individuals frome a family affected with Hereditary hearing loss and deafness (example, Baek_2010). These data indicate that the variant is very likely to be associated with disease. At least one publication reports experimental evidence evaluating an impact on protein function. The most pronounced variant effect results in about 50% of normal Cochlin cleavage ability (Jung_2015). The following publications have been ascertained in the context of this evaluation (PMID: 20447147, 26256111). ClinVar contains an entry for this variant (Variation ID: 6610). Based on the evidence outlined above, the variant was classified as pathogenic.

OMIM
Classification: Pathogenic for DEAFNESS, AUTOSOMAL DOMINANT 9. Last evaluated: 1998-11-01. Review status: no assertion criteria provided. Collection method: literature only. Allele origin: germline. Not counted in ClinVar's aggregate classification.

Literature cited by the submitters: PubMed 26256111 (cited by 3 submitters); PubMed 20447147 (cited by 3 submitters); PubMed 9806553 (cited by Labcorp Genetics (formerly Invitae), Labcorp and OMIM); PubMed 20228067 (cited by Labcorp Genetics (formerly Invitae), Labcorp).